The following is an entry in ClinVar:

NM_134261.3(RORA):c.370C>A (p.Arg124Ser)

Genes: RORA (RAR related orphan receptor A; minus strand), RORA-AS1 (RORA antisense RNA 1; plus strand). Cytogenetic location: 15q22.2.
Variant type: single nucleotide variant.
Coding change: c.370C>A on transcript NM_134261.3 (MANE Select); coding-DNA position 370, C replaced by A.
Protein change: p.Arg124Ser; replaces arginine 124 with serine.
Molecular consequence: missense variant.
Genome position (GRCh38, 1-based): chr15:60,514,670, G>T on the plus strand (C>A on the coding strand, the complement: RORA is on the minus strand). VCF-style: chr15-60514670-G-T. GRCh37 (hg19) VCF-style: chr15-60806869-G-T.
Other names: c.445C>A, p.Arg149Ser (NM_002943.4); c.469C>A, p.Arg157Ser (NM_134260.3); c.205C>A, p.Arg69Ser (NM_134262.3); short protein forms R124S, R149S, R157S, R69S.
Identifiers: ClinVar variation 3365271 (VCV003365271.1).

ClinVar aggregate classification (germline): Uncertain significance (1 of 4 stars; one submission).

Submission:

GeneDx
Classification: Uncertain significance. Last evaluated: 2023-12-15. Review status: criteria provided, single submitter. Criteria: GeneDx Variant Classification Process June 2021. Collection method: clinical testing. Allele origin: germline. Affected: yes.
Comment: Not observed at significant frequency in large population cohorts (gnomAD); In silico analysis supports that this missense variant has a deleterious effect on protein structure/function; Has not been previously published as pathogenic or benign to our knowledge